The following is an entry in ClinVar:

NM_005632.3(CAPN15):c.574G>A (p.Gly192Ser)

Gene: CAPN15 (calpain 15; plus strand). Cytogenetic location: 16p13.3.
Variant type: single nucleotide variant.
Coding change: c.574G>A on transcript NM_005632.3 (MANE Select); coding-DNA position 574, G replaced by A.
Protein change: p.Gly192Ser; replaces glycine 192 with serine.
Molecular consequence: missense variant.
Genome position (GRCh38, 1-based): chr16:547,412, G>A. VCF-style: chr16-547412-G-A. GRCh37 (hg19) VCF-style: chr16-597412-G-A.
Other names: short protein forms G192S.
Identifiers: ClinVar variation 5020217 (VCV005020217.1).

ClinVar aggregate classification (germline): Uncertain significance (1 of 4 stars; one submission).

gnomAD v4.1: 704 of 1,571,736 alleles (0.045%); highest among the groups gnomAD compares: African/African-American, 0.82%; no homozygotes.

Submission:

Dasa
Classification: Uncertain significance. Last evaluated: 2026-07-10. Review status: criteria provided, single submitter. Criteria: DASA Assertion Criteria. Collection method: clinical testing. Allele origin: germline.
Comment: NM_005632.3(CAPN15):c.574G>A (p.Gly192Ser) is a missense variant that results in the substitution of glycine with serine. This variant is rare in population databases. The currently available literature and clinical evidence are not sufficient to establish a definitive association between this variant and the reported condition. Therefore, this variant is classified as a variant of uncertain significance.